The following is an entry in ClinVar:

NM_001369.3(DNAH5):c.6902_6917del (p.Met2301fs)

Gene: DNAH5 (dynein axonemal heavy chain 5; minus strand). Cytogenetic location: 5p15.2.
Variant type: Deletion.
Coding change: c.6902_6917del on transcript NM_001369.3 (MANE Select); coding-DNA positions 6902 to 6917, 16 bases deleted (TGTTTGGTCGGCTGGA).
Protein change: p.Met2301fs; shifts the reading frame from methionine 2301.
Molecular consequence: frameshift variant.
Genome position (GRCh38, 1-based): chr5:13,817,619-13,817,634, TCCAGCCGACCAAACA deleted on the plus strand (TGTTTGGTCGGCTGGA on the coding strand, the reverse complement: DNAH5 is on the minus strand); deleting any 16 consecutive bases within chr5:13,817,619-13,817,636 gives the same sequence; the c. name uses the placement nearest the transcript's 3' end. VCF-style (leftmost placement, unchanged base first): chr5-13817618-GTCCAGCCGACCAAACA-G. GRCh37 (hg19) VCF-style: chr5-13817727-GTCCAGCCGACCAAACA-G.
Other names: short protein forms M2301fs.
Identifiers: ClinVar variation 2140574 (VCV002140574.5), dbSNP rs757162805, ClinGen allele CA3203237.
Genomic context (GRCh38, chr5:13,817,618, plus strand): 5'-TCTTAATGTTTTCCTCCAAAGCGTAGAAAATATCCCATCAGTCCAGTCATTTGTGGCAAC[GTCCAGCCGACCAAACA>G]TCTGTGGGGCAGTAATCGCTTTGGGATTCATCCTCATTTCCCGATGTGGTTTTCCACAAT-3'

ClinVar aggregate classification (germline): Pathogenic/Likely pathogenic. Review status: criteria provided, multiple submitters, no conflicts (2 of 4 stars). 2 submissions from 2 submitters: Pathogenic (1); Likely pathogenic (1). Last evaluated 2023-07-10.

Conditions:
DNAH5-related disorders.
Primary ciliary dyskinesia. Also called: Ciliary dyskinesia. Identifiers: Orphanet 244, MedGen C0008780, MONDO:0016575, HP:0012265.

Submissions (2):

Labcorp Genetics (formerly Invitae), Labcorp
Classification: Pathogenic for Primary ciliary dyskinesia. Last evaluated: 2023-07-10. Review status: criteria provided, single submitter. Criteria: Invitae Variant Classification Sherloc (09022015). Collection method: clinical testing. Allele origin: germline.
Comment: This variant is present in population databases (rs757162805, gnomAD 0.009%). This sequence change creates a premature translational stop signal (p.Met2301Thrfs*20) in the DNAH5 gene. It is expected to result in an absent or disrupted protein product. Loss-of-function variants in DNAH5 are known to be pathogenic (PMID: 11788826, 16627867). This variant has not been reported in the literature in individuals affected with DNAH5-related conditions. ClinVar contains an entry for this variant (Variation ID: 2140574). For these reasons, this variant has been classified as Pathogenic.

Blueprint Genetics
Classification: Likely pathogenic for DNAH5-related disorders. Last evaluated: 2018-04-25. Review status: criteria provided, single submitter. Criteria: ACMG Guidelines, 2015. Collection method: clinical testing. Allele origin: germline. Affected: yes. Observed: 2 variant alleles.

Literature cited by the submitters: PubMed 11788826 (cited by Labcorp Genetics (formerly Invitae), Labcorp); PubMed 16627867 (cited by Labcorp Genetics (formerly Invitae), Labcorp).